The following is an entry in ClinVar:

NM_001110556.2(FLNA):c.4726G>T (p.Gly1576Trp)

Gene: FLNA (filamin A; minus strand). Cytogenetic location: Xq28.
Variant type: single nucleotide variant.
Coding change: c.4726G>T on transcript NM_001110556.2 (MANE Select); coding-DNA position 4726, G replaced by T.
Protein change: p.Gly1576Trp; replaces glycine 1576 with tryptophan.
Molecular consequence: missense variant.
Genome position (GRCh38, 1-based): chrX:154,358,228, C>A on the plus strand (G>T on the coding strand, the complement: FLNA is on the minus strand). VCF-style: chrX-154358228-C-A. GRCh37 (hg19) VCF-style: chrX-153586596-C-A.
Other names: c.4726G>T, p.Gly1576Trp (NM_001456.4); short protein forms G1576W.
Identifiers: ClinVar variation 3342232 (VCV003342232.18).

ClinVar aggregate classification (germline): Likely pathogenic. Review status: criteria provided, multiple submitters, no conflicts (2 of 4 stars). 2 submissions from 2 submitters: Likely pathogenic (2). Last evaluated 2024-08-01.

Conditions:
Frontometaphyseal dysplasia 1 (FMD1). Also called: Frontometaphyseal Dysplasia (FLNA-FMD). Identifiers: Orphanet 1826, MedGen C4281559, MONDO:0024550, OMIM 305620.

Submissions (2):

CeGaT Center for Human Genetics Tuebingen
Classification: Likely pathogenic. Last evaluated: 2024-08-01. Review status: criteria provided, single submitter. Criteria: CeGaT Center For Human Genetics Tuebingen Variant Classification Criteria Version 2. Collection method: clinical testing. Allele origin: germline. Affected: yes. Observed: 1 variant allele.
Comment: FLNA: PM2, PM5, PP3, PP4

Institute of Human Genetics, University of Leipzig Medical Center
Classification: Likely pathogenic for Frontometaphyseal dysplasia 1. Last evaluated: 2024-06-07. Review status: criteria provided, single submitter. Criteria: ACMG Guidelines, 2015. Collection method: clinical testing. Allele origin: unknown. Inheritance: X-linked recessive inheritance. Affected: yes.
Comment: Criteria applied: PM2,PM5,PP2,PP3